The following is an entry in ClinVar:

ClinVar aggregate classification (germline): Uncertain significance. Review status: criteria provided, multiple submitters, no conflicts (2 of 4 stars). 3 submissions from 3 submitters: Uncertain significance (2). 1 of the submissions does not count toward it. Last evaluated 2025-05-28.

Conditions:
Pulmonary fibrosis and/or bone marrow failure, Telomere-related, 3. Also called: PULMONARY FIBROSIS AND/OR BONE MARROW FAILURE SYNDROME, TELOMERE-RELATED, 3. Identifiers: Orphanet 2032, MedGen C4225346, MONDO:0014613, OMIM 616373.
Dyskeratosis congenita, autosomal recessive 5 (DKCB5). Identifiers: MedGen C3554656, MONDO:0014076, OMIM 615190.
Dyskeratosis congenita. Identifiers: Orphanet 1775, MedGen C0265965, MONDO:0015780.
RTEL1-related disorder. Also called: RTEL1-related disorders; RTEL1-related condition.

Allele frequency attached by ClinVar (database versions not stated): gnomAD exomes 0.00002 and 0.00004; TOPMed 0.00002; gnomAD 0.00003 and 0.00004; ExAC 0.00008; ESP Exome Variant Server 0.00008.
gnomAD v4.1: 34 of 1,613,242 alleles (0.0021%); highest among the groups gnomAD compares: Non-Finnish European, 0.0025%; no homozygotes.

Submissions (3):

Labcorp Genetics (formerly Invitae), Labcorp
Classification: Uncertain significance for Dyskeratosis congenita, autosomal recessive 5; Pulmonary fibrosis and/or bone marrow failure, Telomere-related, 3. Last evaluated: 2025-05-28. Review status: criteria provided, single submitter. Criteria: Invitae Variant Classification Sherloc (09022015). Collection method: clinical testing. Allele origin: germline.
Comment: This sequence change replaces alanine, which is neutral and non-polar, with valine, which is neutral and non-polar, at codon 393 of the RTEL1 protein (p.Ala393Val). This variant is present in population databases (rs200555432, gnomAD 0.009%). This variant has not been reported in the literature in individuals affected with RTEL1-related conditions. ClinVar contains an entry for this variant (Variation ID: 540930). An algorithm developed to predict the effect of missense changes on protein structure and function outputs the following: PolyPhen-2: "Benign". The valine amino acid residue is found in multiple mammalian species, which suggests that this missense change does not adversely affect protein function. In summary, the available evidence is currently insufficient to determine the role of this variant in disease. Therefore, it has been classified as a Variant of Uncertain Significance.

PreventionGenetics, part of Exact Sciences
Classification: Uncertain significance for RTEL1-related condition. Last evaluated: 2023-06-12. Review status: criteria provided, single submitter. Criteria: ACMG Guidelines, 2015. Collection method: clinical testing. Allele origin: germline.
Comment: The RTEL1 c.1250C>T variant is predicted to result in the amino acid substitution p.Ala417Val. To our knowledge, this variant has not been reported in the literature. This variant is reported in 0.0088% of alleles in individuals of European (Non-Finnish) descent in gnomAD. At this time, the clinical significance of this variant is uncertain due to the absence of conclusive functional and genetic evidence.

Natera, Inc.
Classification: Uncertain significance for Dyskeratosis congenita. Last evaluated: 2019-11-11. Review status: no assertion criteria provided. Collection method: clinical testing. Allele origin: germline. Not counted in ClinVar's aggregate classification.

NM_001283009.2(RTEL1):c.1178C>T (p.Ala393Val)

Genes: RTEL1 (regulator of telomere elongation helicase 1; plus strand), RTEL1-TNFRSF6B (RTEL1-TNFRSF6B readthrough (NMD candidate); plus strand). Cytogenetic location: 20q13.33.
Variant type: single nucleotide variant.
Coding change: c.1178C>T on transcript NM_001283009.2 (MANE Select); coding-DNA position 1178, C replaced by T.
Protein change: p.Ala393Val; replaces alanine 393 with valine.
Molecular consequence: missense variant. On other transcripts: non-coding transcript variant (1).
Genome position (GRCh38, 1-based): chr20:63,680,706, C>T. VCF-style: chr20-63680706-C-T. GRCh37 (hg19) VCF-style: chr20-62312059-C-T.
Other names: c.509C>T, p.Ala170Val (NM_001283010.1); c.1178C>T, p.Ala393Val (NM_016434.4); c.1250C>T, p.Ala417Val (NM_032957.5); short protein forms A393V, A417V, A170V.
Identifiers: ClinVar variation 540930 (VCV000540930.7), dbSNP rs200555432, ClinGen allele CA9964640.